The following is an entry in ClinVar:

ClinVar aggregate classification (germline): Benign (1 of 4 stars; one submission).

Conditions:
Ehlers-Danlos syndrome, classic type (cEDS). Identifiers: Orphanet 287, MedGen C4225429, MONDO:0007522.

Allele frequency attached by ClinVar (database versions not stated): gnomAD 0.00088 and 0.00125; TOPMed 0.00167; 1000 Genomes Project 30x 0.00515; 1000 Genomes Project 0.00559.

Submission:

Illumina Laboratory Services, Illumina
Classification: Benign for Ehlers-Danlos syndrome, classic type, 1. Last evaluated: 2018-01-12. Review status: criteria provided, single submitter. Criteria: ICSL Variant Classification Criteria 13 December 2019. Collection method: clinical testing. Allele origin: germline.
Comment: This variant was observed in the ICSL laboratory as part of a predisposition screen in an ostensibly healthy population. It had not been previously curated by ICSL or reported in the Human Gene Mutation Database (HGMD: prior to June 1st, 2018), and was therefore a candidate for classification through an automated scoring system. Utilizing variant allele frequency, disease prevalence and penetrance estimates, and inheritance mode, an automated score was calculated to assess if this variant is too frequent to cause the disease. Based on the score and internal cut-off values, a variant classified as benign is not then subjected to further curation. The score for this variant resulted in a classification of benign for this disease.

NM_000093.5(COL5A1):c.*1343A>G

Genes: COL5A1 (collagen type V alpha 1 chain; plus strand), LOC101448202 (uncharacterized LOC101448202; minus strand). Cytogenetic location: 9q34.3.
Variant type: single nucleotide variant.
Coding change: c.*1343A>G on transcript NM_000093.5 (MANE Select); 1343 bases downstream of the stop codon, A replaced by G.
Molecular consequence: 3 prime UTR variant.
Genome position (GRCh38, 1-based): chr9:134,843,646, A>G. VCF-style: chr9-134843646-A-G. GRCh37 (hg19) VCF-style: chr9-137735492-A-G.
Other names: c.*1343A>G (NM_001278074.1).
Identifiers: ClinVar variation 365771 (VCV000365771.7), dbSNP rs77145856, ClinGen allele CA10626854.